The following is an entry in ClinVar:

NM_001378418.1(TCF20):c.4519G>A (p.Ala1507Thr)

Gene: TCF20 (transcription factor 20; minus strand). Cytogenetic location: 22q13.2.
Variant type: single nucleotide variant.
Coding change: c.4519G>A on transcript NM_001378418.1 (MANE Select); coding-DNA position 4519, G replaced by A.
Protein change: p.Ala1507Thr; replaces alanine 1507 with threonine.
Molecular consequence: missense variant.
Genome position (GRCh38, 1-based): chr22:42,210,787, C>T on the plus strand (G>A on the coding strand, the complement: TCF20 is on the minus strand). VCF-style: chr22-42210787-C-T. GRCh37 (hg19) VCF-style: chr22-42606793-C-T.
Other names: c.4519G>A, p.Ala1507Thr (NM_005650.4, NM_181492.3); short protein forms A1507T.
Identifiers: ClinVar variation 2403846 (VCV002403846.5), dbSNP rs780973217, ClinGen allele CA10266628.

ClinVar aggregate classification (germline): Uncertain significance. Review status: criteria provided, multiple submitters, no conflicts (2 of 4 stars). 2 submissions from 2 submitters: Uncertain significance (2). Last evaluated 2022-12-19.

Conditions:
Inborn genetic diseases. Identifiers: MedGen C0950123, MeSH D030342.

Allele frequency attached by ClinVar (database versions not stated): ExAC 0.00001; gnomAD 0.00001; gnomAD exomes 0.00001; TOPMed 0.00002.
gnomAD v4.1: 6 of 1,614,082 alleles (0.00037%); highest among the groups gnomAD compares: African/African-American, 0.0053%; no homozygotes.

Submissions (2):

Labcorp Genetics (formerly Invitae), Labcorp
Classification: Uncertain significance. Last evaluated: 2022-12-19. Review status: criteria provided, single submitter. Criteria: Invitae Variant Classification Sherloc (09022015). Collection method: clinical testing. Allele origin: germline.
Comment: In summary, the available evidence is currently insufficient to determine the role of this variant in disease. Therefore, it has been classified as a Variant of Uncertain Significance. Algorithms developed to predict the effect of missense changes on protein structure and function output the following: SIFT: "Tolerated"; PolyPhen-2: "Benign"; Align-GVGD: "Class C0". The threonine amino acid residue is found in multiple mammalian species, which suggests that this missense change does not adversely affect protein function. This variant has not been reported in the literature in individuals affected with TCF20-related conditions. This variant is present in population databases (rs780973217, gnomAD 0.007%). This sequence change replaces alanine, which is neutral and non-polar, with threonine, which is neutral and polar, at codon 1507 of the TCF20 protein (p.Ala1507Thr).

Ambry Genetics
Classification: Uncertain significance for Inborn genetic diseases. Last evaluated: 2021-01-28. Review status: criteria provided, single submitter. Criteria: Ambry Variant Classification Scheme 2023. Collection method: clinical testing. Allele origin: germline.
Comment: The c.4519G>A (p.A1507T) alteration is located in exon 1 (coding exon 1) of the TCF20 gene. This alteration results from a G to A substitution at nucleotide position 4519, causing the alanine (A) at amino acid position 1507 to be replaced by a threonine (T). The p.A1507T alteration is predicted to be tolerated by in silico analysis. Based on insufficient or conflicting evidence, the clinical significance of this alteration remains unclear.